The following is an entry in ClinVar:

ClinVar aggregate classification (germline): Likely benign (1 of 4 stars; one submission).

gnomAD v4.1: 1 of 1,445,574 alleles (0.000069%); no homozygotes.

Submission:

GeneDx
Classification: Likely benign. Last evaluated: 2017-06-13. Review status: criteria provided, single submitter. Criteria: GeneDx Variant Classification (06012015). Collection method: clinical testing. Allele origin: germline. Affected: yes.
Comment: This variant is considered likely benign or benign based on one or more of the following criteria: it is a conservative change, it occurs at a poorly conserved position in the protein, it is predicted to be benign by multiple in silico algorithms, and/or has population frequency not consistent with disease.

NM_153704.6(TMEM67):c.506+18G>A

Gene: TMEM67 (transmembrane protein 67; plus strand). Cytogenetic location: 8q22.1.
Variant type: single nucleotide variant.
Coding change: c.506+18G>A on transcript NM_153704.6 (MANE Select); 18 bases into the intron after coding-DNA position 506, G replaced by A.
Molecular consequence: intron variant.
Genome position (GRCh38, 1-based): chr8:93,763,959, G>A. VCF-style: chr8-93763959-G-A. GRCh37 (hg19) VCF-style: chr8-94776187-G-A.
Other names: c.263+18G>A (NM_001142301.1).
Identifiers: ClinVar variation 510057 (VCV000510057.1), dbSNP rs116705535, ClinGen allele CA583407675.
Genomic context (GRCh38, chr8:93,763,959, plus strand): 5'-GAAATGAAAACTCTTTTATGGTAGTAAATGCTTTAGGAGACAGGTAAGCAGTGTGATGGG[G>A]GCTAACTTCATTAATATCATCTTATATTAGTGTATAATTTGTACTTTTAAGAGTGTTTTC-3'